The following is an entry in ClinVar:

ClinVar aggregate classification (germline): Uncertain significance (1 of 4 stars; one submission).

gnomAD v4.1: 1 of 1,612,938 alleles (0.000062%); highest among the groups gnomAD compares: Admixed American, 0.0017%; no homozygotes.

Submission:

Labcorp Genetics (formerly Invitae), Labcorp
Classification: Uncertain significance. Last evaluated: 2024-06-20. Review status: criteria provided, single submitter. Criteria: Invitae Variant Classification Sherloc (09022015). Collection method: clinical testing. Allele origin: germline.
Comment: This sequence change replaces cysteine, which is neutral and slightly polar, with arginine, which is basic and polar, at codon 1383 of the FREM1 protein (p.Cys1383Arg). This variant is present in population databases (no rsID available, gnomAD 0.003%). This variant has not been reported in the literature in individuals affected with FREM1-related conditions. Advanced modeling of protein sequence and biophysical properties (such as structural, functional, and spatial information, amino acid conservation, physicochemical variation, residue mobility, and thermodynamic stability) performed at Invitae indicates that this missense variant is not expected to disrupt FREM1 protein function with a negative predictive value of 80%. In summary, the available evidence is currently insufficient to determine the role of this variant in disease. Therefore, it has been classified as a Variant of Uncertain Significance.

NM_001379081.2(FREM1):c.4147T>C (p.Cys1383Arg)

Gene: FREM1 (FRAS1 related extracellular matrix 1; minus strand). Cytogenetic location: 9p22.3.
Variant type: single nucleotide variant.
Coding change: c.4147T>C on transcript NM_001379081.2 (MANE Select); coding-DNA position 4147, T replaced by C.
Protein change: p.Cys1383Arg; replaces cysteine 1383 with arginine.
Molecular consequence: missense variant. On other transcripts: non-coding transcript variant (1).
Genome position (GRCh38, 1-based): chr9:14,788,949, A>G on the plus strand (T>C on the coding strand, the complement: FREM1 is on the minus strand). VCF-style: chr9-14788949-A-G. GRCh37 (hg19) VCF-style: chr9-14788947-A-G.
Other names: c.4147T>C, p.Cys1383Arg (NM_144966.7); short protein forms C1383R.
Identifiers: ClinVar variation 3699055 (VCV003699055.2).